The following is an entry in ClinVar:

NM_024417.5(FDXR):c.929del (p.Ser310fs)

Gene: FDXR (ferredoxin reductase; minus strand). Cytogenetic location: 17q25.1.
Variant type: Deletion.
Coding change: c.929del on transcript NM_024417.5 (MANE Select); coding-DNA position 929, one base deleted (G; older notation c.929delG).
Protein change: p.Ser310fs; shifts the reading frame from serine 310.
Molecular consequence: frameshift variant. On other transcripts: non-coding transcript variant (1).
Genome position (GRCh38, 1-based): chr17:74,864,221, C deleted on the plus strand (G on the coding strand, the reverse complement: FDXR is on the minus strand). VCF-style (leftmost placement, unchanged base first): chr17-74864220-GC-G. GRCh37 (hg19) VCF-style: chr17-72860342-GC-G.
Other names: c.1058del, p.Ser353fs (NM_001258012.4); c.1022del, p.Ser341fs (NM_001258013.4); c.905del, p.Ser302fs (NM_001258014.4); c.809del, p.Ser270fs (NM_001258015.3); c.773del, p.Ser258fs (NM_001258016.3); c.947del, p.Ser316fs (NM_004110.6); short protein forms S270fs, S316fs, S302fs, S353fs, S258fs, S310fs, S341fs.
Identifiers: ClinVar variation 817643 (VCV000817643.1), dbSNP rs1598515363, ClinGen allele CA915952162.

ClinVar aggregate classification (germline): Likely pathogenic. Review status: criteria provided, single submitter (1 of 4 stars). 2 submissions from 2 submitters: Likely pathogenic (1). 1 of the submissions does not count toward it. Last evaluated 2018-09-14.

Conditions:
Multiple mitochondrial dysfunctions syndrome 9b. Identifiers: MedGen C5935635, MONDO:0971174, OMIM 620887.

Submissions (2):

GeneDx
Classification: Likely pathogenic. Last evaluated: 2018-09-14. Review status: criteria provided, single submitter. Criteria: GeneDx Variant Classification (06012015). Collection method: clinical testing. Allele origin: germline. Affected: yes.
Comment: The c.947delG variant in the FDXR gene has not been reported previously as a pathogenic variant nor as a benign variant, to our knowledge. The c.947delG variant causes a frameshift starting with codon Serine 316, changes this amino acid to a Threonine residue, and creates a premature Stop codon at position 19 of the new reading frame, denoted p.Ser316ThrfsX19. This variant is predicted to cause loss of normal protein function either through protein truncation or nonsense-mediated mRNA decay. The c.947delG variant is not observed in large population cohorts (Lek et al., 2016). We interpret c.947delG as a likely pathogenic variant.

OMIM
Classification: Pathogenic for MULTIPLE MITOCHONDRIAL DYSFUNCTIONS SYNDROME 9B. Last evaluated: 2024-07-16. Review status: no assertion criteria provided. Collection method: literature only. Allele origin: germline. Not counted in ClinVar's aggregate classification.

Literature cited by the submitters: PubMed 30250212 (cited by OMIM).